The following is an entry in ClinVar:

NM_018245.3(OGDHL):c.127A>G (p.Ser43Gly)

Gene: OGDHL (oxoglutarate dehydrogenase L; minus strand). Cytogenetic location: 10q11.23.
Variant type: single nucleotide variant.
Coding change: c.127A>G on transcript NM_018245.3 (MANE Select); coding-DNA position 127, A replaced by G.
Protein change: p.Ser43Gly; replaces serine 43 with glycine.
Molecular consequence: missense variant. On other transcripts: 5 prime UTR variant (3), non-coding transcript variant (4), intron variant (2).
Genome position (GRCh38, 1-based): chr10:49,758,466, T>C on the plus strand (A>G on the coding strand, the complement: OGDHL is on the minus strand). VCF-style: chr10-49758466-T-C. GRCh37 (hg19) VCF-style: chr10-50966512-T-C.
Other names: c.127A>G, p.Ser43Gly (NM_001143996.2, NM_001347819.1, NM_001347820.1 and 2 more transcripts); c.-812A>G (NM_001347821.2, NM_001347825.2); c.-800A>G (NM_001347826.1); c.-253+3867A>G (NM_001347822.1); c.-253+3773A>G (NM_001143997.2); short protein forms S43G.
Identifiers: ClinVar variation 3069123 (VCV003069123.2), dbSNP rs2539063275, ClinGen allele CA376762010.

ClinVar aggregate classification (germline): Uncertain significance (1 of 4 stars; one submission).

Submission:

Women's Health and Genetics/Laboratory Corporation of America, LabCorp
Classification: Uncertain significance. Last evaluated: 2024-02-08. Review status: criteria provided, single submitter. Criteria: LabCorp Variant Classification Summary - May 2015. Collection method: clinical testing. Allele origin: germline.
Comment: Variant summary: OGDHL c.127A>G (p.Ser43Gly) results in a non-conservative amino acid change in the encoded protein sequence. Three of five in-silico tools predict a benign effect of the variant on protein function. The variant was absent in 251168 control chromosomes. The available data on variant occurrences in the general population are insufficient to allow any conclusion about variant significance. To our knowledge, no occurrence of c.127A>G in individuals affected with Yoon-Bellen Neurodevelopmental Syndrome and no experimental evidence demonstrating its impact on protein function have been reported. No submitters have cited clinical-significance assessments for this variant to ClinVar. Based on the evidence outlined above, the variant was classified as uncertain significance.